The following is an entry in ClinVar:

ClinVar aggregate classification (germline): Pathogenic/Likely pathogenic. Review status: criteria provided, multiple submitters, no conflicts (2 of 4 stars). 3 submissions from 3 submitters: Pathogenic (1); Likely pathogenic (2). Last evaluated 2025-12-30.

Conditions:
Propionic acidemia (PROP). Also called: GLYCINEMIA, KETOTIC; HYPERGLYCINEMIA WITH KETOACIDOSIS AND LEUKOPENIA; KETOTIC HYPERGLYCINEMIA. Identifiers: Orphanet 35, MedGen C0268579, MONDO:0011628, OMIM 606054, HP:0003571.

Submissions (3):

Natera, Inc.
Classification: Likely pathogenic for Propionic acidemia. Last evaluated: 2025-12-30. Review status: criteria provided, single submitter. Criteria: Natera Variant Classification Schema (03/2026). Collection method: clinical testing. Allele origin: germline.
Comment: The c.187_203delAAGCTAACAGCCAGGGA variant in PCCB is a frameshift variant predicted to shift the reading frame beginning at codon 63 and leads to a stop codon 13 codons downstream. This variant is expected to result in nonsense mediated decay, truncation, or a dysfunctional protein product. This variant is rare in the general population with a frequency below the threshold expected for the associated phenotype(s). Given the available evidence, this variant is classified as Likely Pathogenic.

Labcorp Genetics (formerly Invitae), Labcorp
Classification: Pathogenic for Propionic acidemia. Last evaluated: 2022-08-19. Review status: criteria provided, single submitter. Criteria: Invitae Variant Classification Sherloc (09022015). Collection method: clinical testing. Allele origin: germline.
Comment: ClinVar contains an entry for this variant (Variation ID: 1457385). Algorithms developed to predict the effect of sequence changes on RNA splicing suggest that this variant may disrupt the consensus splice site. For these reasons, this variant has been classified as Pathogenic. This variant has not been reported in the literature in individuals affected with PCCB-related conditions. This variant is not present in population databases (gnomAD no frequency). This sequence change creates a premature translational stop signal (p.Lys63Glufs*13) in the PCCB gene. It is expected to result in an absent or disrupted protein product. Loss-of-function variants in PCCB are known to be pathogenic (PMID: 15464417).

Baylor Genetics
Classification: Likely pathogenic for Propionic acidemia. Last evaluated: 2022-06-06. Review status: criteria provided, single submitter. Criteria: ACMG Guidelines, 2015. Collection method: clinical testing. Allele origin: unknown.

Literature cited by the submitters: PubMed 15464417 (cited by Labcorp Genetics (formerly Invitae), Labcorp).

NM_000532.5(PCCB):c.187_203del

Gene: PCCB (propionyl-CoA carboxylase subunit beta; plus strand). Cytogenetic location: 3q22.3.
Variant type: Deletion.
Coding change: c.187_203del on transcript NM_000532.5 (MANE Select); coding-DNA positions 187 to 203, 17 bases deleted (AAGCTAACAGCCAGGGA).
Genome position (GRCh38, 1-based): chr3:136,255,859-136,255,875, AAGCTAACAGCCAGGGA deleted; deleting any 17 consecutive bases within chr3:136,255,854-136,255,875 gives the same sequence; the c. name uses the placement nearest the transcript's 3' end. VCF-style (leftmost placement, unchanged base first): chr3-136255853-TAGGGAAAGCTAACAGCC-T. GRCh37 (hg19) VCF-style: chr3-135974695-TAGGGAAAGCTAACAGCC-T.
Other names: c.187_203delAAGCTAACAGCCAGGGA (NM_000532.4).
Identifiers: ClinVar variation 1457385 (VCV001457385.8), dbSNP rs2108137253, ClinGen allele CA2573136605.
Genomic context (GRCh38, chr3:136,255,853, plus strand): 5'-CCCTTGCTTTGCTTACTAAATTGTCTGTGATGACATCACTGAGTGATCTTTGTTCCATTG[TAGGGAAAGCTAACAGCC>T]AGGGAGAGGATCAGTCTCTTGCTGGACCCTGGCAGCTTTGTTGAGAGCGACATGTTTGTG-3'